The following is an entry in ClinVar:

ClinVar aggregate classification (germline): Uncertain significance (1 of 4 stars; one submission).

Conditions:
CHARGE syndrome (CHARGE). Also called: Hittner Hirsch Kreh syndrome; Coloboma, heart anomaly, choanal atresia, retardation, genital and ear anomalies; CHARGE association; Hall-Hittner syndrome; CHARGE ASSOCIATION--COLOBOMA, HEART ANOMALY, CHOANAL ATRESIA, RETARDATION, GENITAL AND EAR ANOMALIES. Identifiers: Orphanet 138, MedGen C0265354, MONDO:0008965.

Submission:

Labcorp Genetics (formerly Invitae), Labcorp
Classification: Uncertain significance for CHARGE syndrome. Last evaluated: 2023-03-17. Review status: criteria provided, single submitter. Criteria: Invitae Variant Classification Sherloc (09022015). Collection method: clinical testing. Allele origin: germline.
Comment: This variant, c.1797_1799del, results in the deletion of 1 amino acid(s) of the CHD7 protein (p.Lys602del), but otherwise preserves the integrity of the reading frame. This variant is present in population databases (no rsID available, gnomAD 0.005%). ClinVar contains an entry for this variant (Variation ID: 569146). This variant has not been reported in the literature in individuals affected with CHD7-related conditions. In summary, the available evidence is currently insufficient to determine the role of this variant in disease. Therefore, it has been classified as a Variant of Uncertain Significance. Experimental studies and prediction algorithms are not available or were not evaluated, and the functional significance of this variant is currently unknown.

NM_017780.4(CHD7):c.1791GAA[2] (p.Lys602del)

Genes: CHD7 (chromodomain helicase DNA binding protein 7; plus strand), LOC126860403 (CDK7 strongly-dependent group 2 enhancer GRCh37_chr8:61693034-61694233; plus strand). Cytogenetic location: 8q12.2.
Variant type: Microsatellite.
Coding change: c.1791GAA[2] on transcript NM_017780.4 (MANE Select); two copies in a row of the 3-base unit GAA starting at c.1791; the reference has three copies in a row; one copy, 3 bases deleted.
Protein change: p.Lys602del; deletes lysine 602.
Molecular consequence: inframe deletion. On other transcripts: intron variant (1).
Genome position (GRCh38, 1-based): chr8:60,781,131-60,781,133, GAA deleted; deleting any 3 consecutive bases within chr8:60,781,123-60,781,133 gives the same sequence; the position shown is the placement nearest the transcript's 3' end. VCF-style (leftmost placement, unchanged base first): chr8-60781122-AAAG-A. GRCh37 (hg19) VCF-style: chr8-61693681-AAAG-A.
Other names: c.1716+73AAG[2] (NM_001316690.1); short protein forms K602del.
Identifiers: ClinVar variation 569146 (VCV000569146.7), dbSNP rs757119372, ClinGen allele CA582403414.